The following is an entry in ClinVar:

ClinVar aggregate classification (germline): Uncertain significance (1 of 4 stars; one submission).

Submission:

CeGaT Center for Human Genetics Tuebingen
Classification: Uncertain significance. Last evaluated: 2024-08-01. Review status: criteria provided, single submitter. Criteria: CeGaT Center For Human Genetics Tuebingen Variant Classification Criteria Version 2. Collection method: clinical testing. Allele origin: germline. Affected: yes. Observed: 1 variant allele.
Comment: NOTCH3: PM2

NM_000435.3(NOTCH3):c.5011C>G (p.His1671Asp)

Gene: NOTCH3 (notch receptor 3; minus strand). Cytogenetic location: 19p13.12.
Variant type: single nucleotide variant.
Coding change: c.5011C>G on transcript NM_000435.3 (MANE Select); coding-DNA position 5011, C replaced by G.
Protein change: p.His1671Asp; replaces histidine 1671 with aspartic acid.
Molecular consequence: missense variant.
Genome position (GRCh38, 1-based): chr19:15,170,434, G>C on the plus strand (C>G on the coding strand, the complement: NOTCH3 is on the minus strand). VCF-style: chr19-15170434-G-C. GRCh37 (hg19) VCF-style: chr19-15281245-G-C.
Other names: short protein forms H1671D.
Identifiers: ClinVar variation 3342170 (VCV003342170.16).